The following is an entry in ClinVar:

NM_014727.3(KMT2B):c.1127A>G (p.Lys376Arg)

Gene: KMT2B (lysine methyltransferase 2B; plus strand). Cytogenetic location: 19q13.12.
Variant type: single nucleotide variant.
Coding change: c.1127A>G on transcript NM_014727.3 (MANE Select); coding-DNA position 1127, A replaced by G.
Protein change: p.Lys376Arg; replaces lysine 376 with arginine.
Molecular consequence: missense variant.
Genome position (GRCh38, 1-based): chr19:35,720,474, A>G. VCF-style: chr19-35720474-A-G. GRCh37 (hg19) VCF-style: chr19-36211376-A-G.
Other names: c.1127A>G (NM_014727.2); short protein forms K376R.
Identifiers: ClinVar variation 1715519 (VCV001715519.8), dbSNP rs1969141115, ClinGen allele CA405384786.

ClinVar aggregate classification (germline): Uncertain significance. Review status: criteria provided, multiple submitters, no conflicts (2 of 4 stars). 2 submissions from 2 submitters: Uncertain significance (2). Last evaluated 2026-10-23.

Allele frequency attached by ClinVar (database versions not stated): TOPMed below 0.00001.

Submissions (2):

GeneDx
Classification: Uncertain significance. Last evaluated: 2026-10-23. Review status: criteria provided, single submitter. Criteria: GeneDx Variant Classification Process June 2021. Collection method: clinical testing. Allele origin: germline.
Comment: Not observed at significant frequency in large population cohorts (gnomAD); In silico analysis suggests that this missense variant does not alter protein structure/function; Has not been previously published as pathogenic or benign to our knowledge

Labcorp Genetics (formerly Invitae), Labcorp
Classification: Uncertain significance. Last evaluated: 2023-07-07. Review status: criteria provided, single submitter. Criteria: Invitae Variant Classification Sherloc (09022015). Collection method: clinical testing. Allele origin: germline.
Comment: Advanced modeling of protein sequence and biophysical properties (such as structural, functional, and spatial information, amino acid conservation, physicochemical variation, residue mobility, and thermodynamic stability) performed at Invitae indicates that this missense variant is not expected to disrupt KMT2B protein function. In summary, the available evidence is currently insufficient to determine the role of this variant in disease. Therefore, it has been classified as a Variant of Uncertain Significance. ClinVar contains an entry for this variant (Variation ID: 1715519). This variant has not been reported in the literature in individuals affected with KMT2B-related conditions. This variant is not present in population databases (gnomAD no frequency). This sequence change replaces lysine, which is basic and polar, with arginine, which is basic and polar, at codon 376 of the KMT2B protein (p.Lys376Arg).